The following is an entry in ClinVar:

ClinVar aggregate classification (germline): Uncertain significance (1 of 4 stars; one submission).

Allele frequency attached by ClinVar (database versions not stated): gnomAD exomes 0.00002; ExAC 0.00005; gnomAD 0.00013; TOPMed 0.00013; 1000 Genomes Project 30x 0.00016; 1000 Genomes Project 0.00020; ESP Exome Variant Server 0.00023.
gnomAD v4.1: 43 of 1,614,200 alleles (0.0027%); highest among the groups gnomAD compares: African/African-American, 0.052%; no homozygotes.

Submission:

Labcorp Genetics (formerly Invitae), Labcorp
Classification: Uncertain significance. Last evaluated: 2024-03-24. Review status: criteria provided, single submitter. Criteria: Invitae Variant Classification Sherloc (09022015). Collection method: clinical testing. Allele origin: germline.
Comment: This sequence change replaces threonine, which is neutral and polar, with serine, which is neutral and polar, at codon 69 of the AK7 protein (p.Thr69Ser). This variant is present in population databases (rs151078589, gnomAD 0.04%). This variant has not been reported in the literature in individuals affected with AK7-related conditions. ClinVar contains an entry for this variant (Variation ID: 2176617). Advanced modeling of protein sequence and biophysical properties (such as structural, functional, and spatial information, amino acid conservation, physicochemical variation, residue mobility, and thermodynamic stability) performed at Invitae indicates that this missense variant is not expected to disrupt AK7 protein function with a negative predictive value of 80%. In summary, the available evidence is currently insufficient to determine the role of this variant in disease. Therefore, it has been classified as a Variant of Uncertain Significance.

NM_152327.5(AK7):c.205A>T (p.Thr69Ser)

Gene: AK7 (adenylate kinase 7; plus strand). Cytogenetic location: 14q32.2.
Variant type: single nucleotide variant.
Coding change: c.205A>T on transcript NM_152327.5 (MANE Select); coding-DNA position 205, A replaced by T.
Protein change: p.Thr69Ser; replaces threonine 69 with serine.
Molecular consequence: missense variant.
Genome position (GRCh38, 1-based): chr14:96,398,174, A>T. VCF-style: chr14-96398174-A-T. GRCh37 (hg19) VCF-style: chr14-96864511-A-T.
Other names: c.205A>T, p.Thr69Ser (NM_001350888.2, NM_001350890.2, NM_001350891.2 and 1 more transcripts); short protein forms T69S.
Identifiers: ClinVar variation 2176617 (VCV002176617.4), dbSNP rs151078589, ClinGen allele CA7337372.
Genomic context (GRCh38, chr14:96,398,174, plus strand): 5'-ATTACAGAGGAAGAGGAAGAGGAAGATGAAAATAAGTCAGCTATGCTGGAAGCTTCCTCA[A>T]CCAAAGTGAAGGAAGGCACATTCCAGATTGTGGGCACGCTGTCCAAGCCTGACAGCCCGC-3'
Protein context (NP_689540.2, residues 59-79): NKSAMLEASS[Thr69Ser]KVKEGTFQIV